The following is an entry in ClinVar:

ClinVar aggregate classification (germline): Pathogenic. Review status: criteria provided, multiple submitters, no conflicts (2 of 4 stars). 2 submissions from 2 submitters: Pathogenic (2). Last evaluated 2025-06-09.

Conditions:
CHD7-related CHARGE syndrome. Identifiers: MedGen CN380413, MONDO:1010178, OMIM 214800.
CHARGE syndrome (CHARGE). Also called: Hittner Hirsch Kreh syndrome; Coloboma, heart anomaly, choanal atresia, retardation, genital and ear anomalies; CHARGE association; Hall-Hittner syndrome; CHARGE ASSOCIATION--COLOBOMA, HEART ANOMALY, CHOANAL ATRESIA, RETARDATION, GENITAL AND EAR ANOMALIES. Identifiers: Orphanet 138, MedGen C0265354, MONDO:0008965.

Submissions (2):

3billion
Classification: Pathogenic for CHD7-related CHARGE syndrome. Last evaluated: 2025-06-09. Review status: criteria provided, single submitter. Criteria: ACMG Guidelines, 2015. Collection method: clinical testing. Allele origin: germline. Affected: yes.
Comment: The variant is not observed in the gnomAD v4.1.0 dataset. Predicted Consequence/Location: Canonical splice site: predicted to alter splicing and result in a loss or disruption of normal protein function. Multiple pathogenic loss-of-function variants are reported downstream of the variant. In silico tools predict the variant to alter splicing and produce an abnormal transcript [SpliceAI: 1.00 (spliceogenicity >=0.2, non-spliceogenicity <0.1)]. The variant has been reported to be associated with CHD7-related disorder (ClinVar ID: VCV000998080). Therefore, this variant is classified as Pathogenic according to the recommendation of ACMG/AMP guideline.

Institute of Human Genetics, University of Goettingen
Classification: Pathogenic for CHD7-related CHARGE syndrome. Last evaluated: 2021-03-03. Review status: criteria provided, single submitter. Criteria: ACMG Guidelines, 2015. Collection method: clinical testing. Allele origin: germline. Inheritance: Autosomal dominant inheritance. Affected: yes. Observed: 1 variant allele, 1 heterozygote.
Comment: The mutation affects the canonical splice site and other mutations affecting this splice site were already described to be pathogenic (Janssen et al. 2012). In summary, using ACMG criteria PVS1_vstr, PM2, PP5 we classified this variant as pathogenic

Literature cited by the submitters: PubMed 22461308 (cited by Institute of Human Genetics, University of Goettingen).

NM_017780.4(CHD7):c.3522+1G>A

Gene: CHD7 (chromodomain helicase DNA binding protein 7; plus strand). Cytogenetic location: 8q12.2.
Variant type: single nucleotide variant.
Coding change: c.3522+1G>A on transcript NM_017780.4 (MANE Select); the canonical splice donor site of the intron after coding-DNA position 3522, G replaced by A.
Molecular consequence: splice donor variant. On other transcripts: intron variant (1).
Genome position (GRCh38, 1-based): chr8:60,828,807, G>A. VCF-style: chr8-60828807-G-A. GRCh37 (hg19) VCF-style: chr8-61741366-G-A.
Other names: c.1717-33422G>A (NM_001316690.1).
Identifiers: ClinVar variation 998080 (VCV000998080.4), dbSNP rs1804369859, ClinGen allele CA371314437.
Genomic context (GRCh38, chr8:60,828,807, plus strand): 5'-CGCTTCCCTTCAGAAACCACATTTATGCAAGAATTTGGTGATCTAAAAACAGAAGAGCAG[G>A]TATTTATCAGCTCCACTTTGTATTTCAGTTATAAAATTGAAGATTAGCCCATGAAATGGC-3'